The following is an entry in ClinVar:

ClinVar aggregate classification (germline): Conflicting classifications of pathogenicity. Review status: criteria provided, conflicting classifications (1 of 4 stars). 3 submissions from 3 submitters: Uncertain significance (1); Likely benign (1). 1 of the submissions does not count toward it. Last evaluated 2025-03-04.

Conditions:
BRCA2-related disorder. Also called: BRCA2-related condition; BRCA2-related disorders. Identifiers: MedGen CN239275.

Allele frequency attached by ClinVar (database versions not stated): ExAC 0.00003; gnomAD exomes 0.00003 and 0.00012; TOPMed 0.00008; gnomAD 0.00009.
gnomAD v4.1: 196 of 1,612,666 alleles (0.012%); highest among the groups gnomAD compares: Non-Finnish European, 0.015%; no homozygotes.

Submissions (3):

Center for Genomic Medicine, Rigshospitalet, Copenhagen University Hospital
Classification: Likely benign. Last evaluated: 2025-03-04. Review status: criteria provided, single submitter. Criteria: ACMG Guidelines, 2015. Collection method: clinical testing. Allele origin: germline.

ARUP Laboratories, Molecular Genetics and Genomics, ARUP Laboratories
Classification: Uncertain significance. Last evaluated: 2019-01-24. Review status: criteria provided, single submitter. Criteria: ARUP Molecular Germline Variant Investigation Process. Collection method: clinical testing. Allele origin: germline.
Comment: The BRCA2 c.7435+23A>G variant (rs761412178), to our knowledge, is not described in the medical literature or in gene-specific databases. It is observed in the general population at a low overall frequency of 0.0036% (10/280326 alleles) in the Genome Aggregation Database. This is an intronic variant at a nucleotide that is weakly conserved, and computational algorithms (Alamut v.2.11) predict that this variant creates a cryptic donor splice site, however mRNA studies are necessary to confirm the effect of this variant on splicing, if any. Due to the lack of clinical and functional data regarding this variant, its clinical significance cannot be determined with certainty.

PreventionGenetics, part of Exact Sciences
Classification: Likely benign for BRCA2-related condition. Last evaluated: 2021-05-31. Review status: no assertion criteria provided. Collection method: clinical testing. Allele origin: germline. Not counted in ClinVar's aggregate classification.
Comment: This variant is classified as likely benign based on ACMG/AMP sequence variant interpretation guidelines (Richards et al. 2015 PMID: 25741868, with internal and published modifications).

NM_000059.4(BRCA2):c.7435+23A>G

Gene: BRCA2 (BRCA2 DNA repair associated; plus strand). Cytogenetic location: 13q13.1.
Variant type: single nucleotide variant.
Coding change: c.7435+23A>G on transcript NM_000059.4 (MANE Select); 23 bases into the intron after coding-DNA position 7435, A replaced by G.
Molecular consequence: intron variant.
Genome position (GRCh38, 1-based): chr13:32,355,311, A>G. VCF-style: chr13-32355311-A-G. GRCh37 (hg19) VCF-style: chr13-32929448-A-G.
Other names: c.7435+23A>G (NM_000059.3).
Identifiers: ClinVar variation 811276 (VCV000811276.12), dbSNP rs761412178, ClinGen allele CA6941094.